The following is an entry in ClinVar:

ClinVar aggregate classification (germline): Uncertain significance. Review status: criteria provided, multiple submitters, no conflicts (2 of 4 stars). 3 submissions from 3 submitters: Uncertain significance (3). Last evaluated 2025-02-27.

Allele frequency attached by ClinVar (database versions not stated): gnomAD 0.00001 and 0.00002; gnomAD exomes 0.00001 and 0.00003; ExAC 0.00002; TOPMed 0.00002.
gnomAD v4.1: 18 of 1,328,748 alleles (0.0014%); highest among the groups gnomAD compares: Non-Finnish European, 0.0016%; no homozygotes.

Submissions (3):

Ambry Genetics
Classification: Uncertain significance. Last evaluated: 2025-02-27. Review status: criteria provided, single submitter. Criteria: Ambry Variant Classification Scheme 2023. Collection method: clinical testing. Allele origin: germline.

Labcorp Genetics (formerly Invitae), Labcorp
Classification: Uncertain significance. Last evaluated: 2024-04-25. Review status: criteria provided, single submitter. Criteria: Invitae Variant Classification Sherloc (09022015). Collection method: clinical testing. Allele origin: germline.
Comment: This sequence change replaces asparagine, which is neutral and polar, with serine, which is neutral and polar, at codon 46 of the ATOH7 protein (p.Asn46Ser). This variant is present in population databases (rs772923683, gnomAD 0.005%). This variant has not been reported in the literature in individuals affected with ATOH7-related conditions. ClinVar contains an entry for this variant (Variation ID: 1025309). An algorithm developed to predict the effect of missense changes on protein structure and function (PolyPhen-2) suggests that this variant is likely to be disruptive. This variant disrupts the p.Asn46 amino acid residue in ATOH7. Other variant(s) that disrupt this residue have been determined to be pathogenic (PMID: 22645276). This suggests that this residue is clinically significant, and that variants that disrupt this residue are likely to be disease-causing. In summary, the available evidence is currently insufficient to determine the role of this variant in disease. Therefore, it has been classified as a Variant of Uncertain Significance.

Blueprint Genetics
Classification: Uncertain significance. Last evaluated: 2024-01-08. Review status: criteria provided, single submitter. Criteria: ACMG Guidelines, 2015. Collection method: clinical testing. Allele origin: germline.

Literature cited by the submitters: PubMed 22645276 (cited by Labcorp Genetics (formerly Invitae), Labcorp).

NM_145178.4(ATOH7):c.137A>G (p.Asn46Ser)

Gene: ATOH7 (atonal bHLH transcription factor 7; minus strand). Cytogenetic location: 10q21.3.
Variant type: single nucleotide variant.
Coding change: c.137A>G on transcript NM_145178.4 (MANE Select); coding-DNA position 137, A replaced by G.
Protein change: p.Asn46Ser; replaces asparagine 46 with serine.
Molecular consequence: missense variant.
Genome position (GRCh38, 1-based): chr10:68,231,541, T>C on the plus strand (A>G on the coding strand, the complement: ATOH7 is on the minus strand). VCF-style: chr10-68231541-T-C. GRCh37 (hg19) VCF-style: chr10-69991298-T-C.
Other names: c.137A>G (NM_145178.2); short protein forms N46S.
Identifiers: ClinVar variation 1025309 (VCV001025309.11), dbSNP rs772923683, ClinGen allele CA5523390.